The following is an entry in ClinVar:

ClinVar aggregate classification (germline): Uncertain significance (1 of 4 stars; one submission).

Allele frequency attached by ClinVar (database versions not stated): gnomAD exomes below 0.00001; ExAC 0.00001; gnomAD 0.00001.
gnomAD v4.1: 6 of 1,608,560 alleles (0.00037%); highest among the groups gnomAD compares: East Asian, 0.0045%; no homozygotes.

Submission:

Labcorp Genetics (formerly Invitae), Labcorp
Classification: Uncertain significance. Last evaluated: 2022-02-14. Review status: criteria provided, single submitter. Criteria: Invitae Variant Classification Sherloc (09022015). Collection method: clinical testing. Allele origin: germline.
Comment: In summary, the available evidence is currently insufficient to determine the role of this variant in disease. Therefore, it has been classified as a Variant of Uncertain Significance. Algorithms developed to predict the effect of missense changes on protein structure and function (SIFT, PolyPhen-2, Align-GVGD) all suggest that this variant is likely to be tolerated. This variant has not been reported in the literature in individuals affected with RNF13-related conditions. This variant is present in population databases (rs781084617, gnomAD 0.01%). This sequence change replaces isoleucine, which is neutral and non-polar, with valine, which is neutral and non-polar, at codon 80 of the RNF13 protein (p.Ile80Val).

NM_183381.3(RNF13):c.238A>G (p.Ile80Val)

Gene: RNF13 (ring finger protein 13; plus strand). Cytogenetic location: 3q25.1.
Variant type: single nucleotide variant.
Coding change: c.238A>G on transcript NM_183381.3 (MANE Select); coding-DNA position 238, A replaced by G.
Protein change: p.Ile80Val; replaces isoleucine 80 with valine.
Molecular consequence: missense variant. On other transcripts: 5 prime UTR variant (6), non-coding transcript variant (1).
Genome position (GRCh38, 1-based): chr3:149,872,071, A>G. VCF-style: chr3-149872071-A-G. GRCh37 (hg19) VCF-style: chr3-149589858-A-G.
Other names: c.238A>G, p.Ile80Val (NM_001378285.1, NM_001378286.1, NM_007282.4); c.-130A>G (NM_001378287.1, NM_001378288.1, NM_001378289.1 and 2 more transcripts); c.-156A>G (NM_001378291.1); short protein forms I80V.
Identifiers: ClinVar variation 1977872 (VCV001977872.5), dbSNP rs781084617, ClinGen allele CA2662938.